The following is an entry in ClinVar:

NM_001127222.2(CACNA1A):c.2172+4G>A

Gene: CACNA1A (calcium voltage-gated channel subunit alpha1 A; minus strand). Cytogenetic location: 19p13.13.
Variant type: single nucleotide variant.
Coding change: c.2172+4G>A on transcript NM_001127222.2 (MANE Select); 4 bases into the intron after coding-DNA position 2172, G replaced by A.
Molecular consequence: intron variant. On other transcripts: missense variant (2).
Genome position (GRCh38, 1-based): chr19:13,303,542, C>T on the plus strand (G>A on the coding strand, the complement: CACNA1A is on the minus strand). VCF-style: chr19-13303542-C-T. GRCh37 (hg19) VCF-style: chr19-13414356-C-T.
Other names: c.2179G>A, p.Glu727Lys (NM_000068.4, NM_023035.3); c.2175+4G>A (NM_001127221.2, NM_001174080.2); short protein forms E727K.
Identifiers: ClinVar variation 682467 (VCV000682467.1), dbSNP rs1600283002, ClinGen allele CA404344089.

ClinVar aggregate classification (germline): Likely benign (1 of 4 stars; one submission).

Submission:

GeneDx
Classification: Likely benign. Last evaluated: 2018-05-02. Review status: criteria provided, single submitter. Criteria: GeneDx Variant Classification (06012015). Collection method: clinical testing. Allele origin: germline. Affected: yes.
Comment: This variant is considered likely benign or benign based on one or more of the following criteria: it is a conservative change, it occurs at a poorly conserved position in the protein, it is predicted to be benign by multiple in silico algorithms, and/or has population frequency not consistent with disease.